The following is an entry in ClinVar:

NM_144631.6(ZNF513):c.878G>C (p.Arg293Pro)

Gene: ZNF513 (zinc finger protein 513; minus strand). Cytogenetic location: 2p23.3.
Variant type: single nucleotide variant.
Coding change: c.878G>C on transcript NM_144631.6 (MANE Select); coding-DNA position 878, G replaced by C.
Protein change: p.Arg293Pro; replaces arginine 293 with proline.
Molecular consequence: missense variant.
Genome position (GRCh38, 1-based): chr2:27,378,293, C>G on the plus strand (G>C on the coding strand, the complement: ZNF513 is on the minus strand). VCF-style: chr2-27378293-C-G. GRCh37 (hg19) VCF-style: chr2-27601160-C-G.
Other names: c.692G>C, p.Arg231Pro (NM_001201459.2); short protein forms R231P, R293P.
Identifiers: ClinVar variation 1942718 (VCV001942718.5), dbSNP rs61740138, ClinGen allele CA1577916.
Genomic context (GRCh38, chr2:27,378,293, plus strand): 5'-GGGAATAGCAGCTCTGGCAGTGGTTCTGATCCAGTCCCGCAGAGGCCCTCCCCTTCACCC[C>G]GCAGCTGCCCACAGTCTGGCAGGAAACTGGCACCACCTGGTGGCACATGGAGGCTCAAAT-3'
Protein context (NP_653232.3, residues 283-303): ASFLPDCGQL[Arg293Pro]GEGEGLCGTG

ClinVar aggregate classification (germline): Uncertain significance (1 of 4 stars; one submission).

gnomAD v4.1: 12 of 1,600,912 alleles (0.00075%); highest among the groups gnomAD compares: Non-Finnish European, 0.001%; no homozygotes.

Submission:

Labcorp Genetics (formerly Invitae), Labcorp
Classification: Uncertain significance. Last evaluated: 2022-05-25. Review status: criteria provided, single submitter. Criteria: Invitae Variant Classification Sherloc (09022015). Collection method: clinical testing. Allele origin: germline.
Comment: This sequence change replaces arginine, which is basic and polar, with proline, which is neutral and non-polar, at codon 293 of the ZNF513 protein (p.Arg293Pro). Algorithms developed to predict the effect of missense changes on protein structure and function (SIFT, PolyPhen-2, Align-GVGD) all suggest that this variant is likely to be disruptive. In summary, the available evidence is currently insufficient to determine the role of this variant in disease. Therefore, it has been classified as a Variant of Uncertain Significance. This variant is present in population databases (rs61740138, gnomAD 0.0009%). This variant has not been reported in the literature in individuals affected with ZNF513-related conditions.